The following is an entry in ClinVar:

ClinVar aggregate classification (germline): Conflicting classifications of pathogenicity. Review status: criteria provided, conflicting classifications (1 of 4 stars). 3 submissions from 3 submitters: Uncertain significance (1); Benign (1). 1 of the submissions does not count toward it. Last evaluated 2025-11-10.

Conditions:
Hajdu-Cheney syndrome (HJCYS). Also called: Acroosteolysis dominant type; SERPENTINE FIBULA-POLYCYSTIC KIDNEY SYNDROME; ACROOSTEOLYSIS WITH OSTEOPOROSIS AND CHANGES IN SKULL AND MANDIBLE. Identifiers: Orphanet 955, MedGen C0917715, MONDO:0007057, OMIM 102500.
NOTCH2-related disorder. Also called: NOTCH2-related condition.

Allele frequency attached by ClinVar (database versions not stated): ExAC 0.00017; 1000 Genomes Project 30x 0.00031; TOPMed 0.00004; gnomAD 0.00001; gnomAD exomes 0.00002 and 0.00012; 1000 Genomes Project 0.00020.
gnomAD v4.1: 37 of 1,614,102 alleles (0.0023%); highest among the groups gnomAD compares: Admixed American, 0.047%; no homozygotes.

Submissions (3):

Labcorp Genetics (formerly Invitae), Labcorp
Classification: Benign for Hajdu-Cheney syndrome. Last evaluated: 2025-11-10. Review status: criteria provided, single submitter. Criteria: Invitae Variant Classification Sherloc (09022015). Collection method: clinical testing. Allele origin: germline.

Eurofins Ntd Llc (ga)
Classification: Uncertain significance. Last evaluated: 2018-06-12. Review status: criteria provided, single submitter. Criteria: EGL ClinVar v180209 classification definitions. Collection method: clinical testing. Allele origin: germline. Observed: 1 variant allele, 1 heterozygote.

PreventionGenetics, part of Exact Sciences
Classification: Likely benign for NOTCH2-related condition. Last evaluated: 2023-03-15. Review status: no assertion criteria provided. Collection method: clinical testing. Allele origin: germline. Not counted in ClinVar's aggregate classification.
Comment: This variant is classified as likely benign based on ACMG/AMP sequence variant interpretation guidelines (Richards et al. 2015 PMID: 25741868, with internal and published modifications).

NM_024408.4(NOTCH2):c.4992G>A (p.Val1664=)

Gene: NOTCH2 (notch receptor 2; minus strand). Cytogenetic location: 1p12.
Variant type: single nucleotide variant.
Coding change: c.4992G>A on transcript NM_024408.4 (MANE Select); coding-DNA position 4992, G replaced by A.
Protein change: p.Val1664=; no amino-acid change (valine 1664 retained).
Molecular consequence: synonymous variant.
Genome position (GRCh38, 1-based): chr1:119,922,646, C>T on the plus strand (G>A on the coding strand, the complement: NOTCH2 is on the minus strand). VCF-style: chr1-119922646-C-T. GRCh37 (hg19) VCF-style: chr1-120465269-C-T.
Other names: c.4992G>A (NM_024408.3).
Identifiers: ClinVar variation 597587 (VCV000597587.15), dbSNP rs587748556, ClinGen allele CA1039756.